The following is an entry in ClinVar:

ClinVar aggregate classification (germline): Uncertain significance (1 of 4 stars; one submission).

Conditions:
Hereditary breast ovarian cancer syndrome. Also called: BRCA1- and BRCA2-Associated Hereditary Breast and Ovarian Cancer; Hereditary breast and ovarian cancer; Hereditary breast and/or ovarian cancer syndrome; Hereditary breast and ovarian cancer syndrome; Hereditary breast and ovarian cancer syndrome (HBOC); Breast and ovarian cancer. Identifiers: Orphanet 145, MedGen C0677776, MeSH D061325, MONDO:0003582. Disease mechanism: loss of function.

Submission:

Labcorp Genetics (formerly Invitae), Labcorp
Classification: Uncertain significance for Hereditary breast ovarian cancer syndrome. Last evaluated: 2023-11-11. Review status: criteria provided, single submitter. Criteria: Invitae Variant Classification Sherloc (09022015). Collection method: clinical testing. Allele origin: germline.
Comment: This sequence change replaces leucine, which is neutral and non-polar, with proline, which is neutral and non-polar, at codon 204 of the BRCA2 protein (p.Leu204Pro). This variant is not present in population databases (gnomAD no frequency). This variant has not been reported in the literature in individuals affected with BRCA2-related conditions. ClinVar contains an entry for this variant (Variation ID: 1359004). Advanced modeling of protein sequence and biophysical properties (such as structural, functional, and spatial information, amino acid conservation, physicochemical variation, residue mobility, and thermodynamic stability) performed at Invitae indicates that this missense variant is not expected to disrupt BRCA2 protein function with a negative predictive value of 95%. In summary, the available evidence is currently insufficient to determine the role of this variant in disease. Therefore, it has been classified as a Variant of Uncertain Significance.

NM_000059.4(BRCA2):c.611T>C (p.Leu204Pro)

Gene: BRCA2 (BRCA2 DNA repair associated; plus strand). Cytogenetic location: 13q13.1.
Variant type: single nucleotide variant.
Coding change: c.611T>C on transcript NM_000059.4 (MANE Select); coding-DNA position 611, T replaced by C.
Protein change: p.Leu204Pro; replaces leucine 204 with proline.
Molecular consequence: missense variant.
Genome position (GRCh38, 1-based): chr13:32,326,593, T>C. VCF-style: chr13-32326593-T-C. GRCh37 (hg19) VCF-style: chr13-32900730-T-C.
Other names: short protein forms L204P.
Identifiers: ClinVar variation 1359004 (VCV001359004.8), dbSNP rs2137452879, ClinGen allele CA387758276.